The following is an entry in ClinVar:

NM_001040108.2(MLH3):c.3234del (p.Ala1077_Cys1078insTer)

Gene: MLH3 (mutL homolog 3; minus strand). Cytogenetic location: 14q24.3.
Variant type: Deletion.
Coding change: c.3234del on transcript NM_001040108.2 (MANE Select); coding-DNA position 3234, one base deleted (T; older notation c.3234delT).
Protein change: p.Ala1077_Cys1078insTer.
Molecular consequence: nonsense.
Genome position (GRCh38, 1-based): chr14:75,046,422, A deleted on the plus strand (T on the coding strand, the reverse complement: MLH3 is on the minus strand). VCF-style (leftmost placement, unchanged base first): chr14-75046421-TA-T. GRCh37 (hg19) VCF-style: chr14-75513124-TA-T.
Other names: c.3234del, p.Ala1077_Cys1078insTer (NM_014381.3).
Identifiers: ClinVar variation 5024581 (VCV005024581.1).

ClinVar aggregate classification (germline): Pathogenic (1 of 4 stars; one submission).

Submission:

Ambry Genetics
Classification: Pathogenic. Last evaluated: 2026-06-30. Review status: criteria provided, single submitter. Criteria: Ambry Variant Classification Scheme 2023. Collection method: clinical testing. Allele origin: germline.
Comment: The c.3234delT pathogenic mutation, located in coding exon 1 of the MLH3 gene, results from a deletion of one nucleotide at nucleotide position 3234, causing a translational frameshift with a predicted alternate stop codon (p.C1078*). This variant is considered to be rare based on population cohorts in the Genome Aggregation Database (gnomAD). This alteration is expected to result in loss of function by premature protein truncation or nonsense-mediated mRNA decay. As such, this alteration is interpreted as a disease-causing mutation.